The following is an entry in ClinVar:

NM_153704.6(TMEM67):c.2323-5_2323-4insTTTTTTTTTTTTTTTTTTTTNNNNNNNNNNCCGGAGAGGGAGCGGGCGCCCGGAGAGGGAGAGGGAGACGGGAGAGGGAGAGGGAGACGGGAGAGGGAGACCTATTCTCTTTTT

Gene: TMEM67 (transmembrane protein 67; plus strand). Cytogenetic location: 8q22.1.
Variant type: Insertion.
Coding change: c.2323-5_2323-4insTTTTTTTTTTTTTTTTTTTTNNNNNNNNNNCCGGAGAGGGAGCGGGCGCCCGGAGAGGGAGAGGGAGACGGGAGAGGGAGAGGGAGACGGGAGAGGGAGACCTATTCTCTTTTT on transcript NM_153704.6 (MANE Select); 5 bases into the intron before coding-DNA position 2323 through 4 bases into the intron before coding-DNA position 2323, TTTTTTTTTTTTTTTTTTTTNNNNNNNNNNCCGGAGAGGGAGCGGGCGCCCGGAGAGGGAGAGGGAGACGGGAGAGGGAGAGGGAGACGGGAGAGGGAGACCTATTCTCTTTTT inserted.
Molecular consequence: intron variant.
Genome position: GRCh38: chr8:93,804,757-93,804,758. GRCh37 (hg19): chr8:94,816,985-94,816,986.
Other names: c.2080-5_2080-4insTTTTTTTTTTTTTTTTTTTTNNNNNNNNNNCCGGAGAGGGAGCGGGCGCCCGGAGAGGGAGAGGGAGACGGGAGAGGGAGAGGGAGACGGGAGAGGGAGACCTATTCTCTTTTT (NM_001142301.1).
Identifiers: ClinVar variation 1368356 (VCV001368356.6), dbSNP rs2130763431.

ClinVar aggregate classification (germline): Uncertain significance (1 of 4 stars; one submission).

Conditions:
Joubert syndrome. Also called: CEREBELLOPARENCHYMAL DISORDER IV; JOUBERT-BOLTSHAUSER SYNDROME; Familial aplasia of the vermis. Identifiers: Orphanet 475, MedGen C5979921, MONDO:0018772.
Meckel-Gruber syndrome. Also called: DYSENCEPHALIA SPLANCHNOCYSTICA; GRUBER SYNDROME; Dysencephalia splachnocystica. Identifiers: Orphanet 564, MedGen C0265215, MONDO:0018921.

Submission:

Labcorp Genetics (formerly Invitae), Labcorp
Classification: Uncertain significance for Joubert syndrome; Meckel-Gruber syndrome. Last evaluated: 2022-08-31. Review status: criteria provided, single submitter. Criteria: Invitae Variant Classification Sherloc (09022015). Collection method: clinical testing. Allele origin: germline.
Comment: In summary, the available evidence is currently insufficient to determine the role of this variant in disease. Therefore, it has been classified as a Variant of Uncertain Significance. Algorithms developed to predict the effect of sequence changes on RNA splicing suggest that this variant may disrupt the consensus splice site. ClinVar contains an entry for this variant (Variation ID: 1368356). This variant has not been reported in the literature in individuals affected with TMEM67-related conditions. This variant is not present in population databases (gnomAD no frequency). This sequence change falls in intron 22 of the TMEM67 gene. It does not directly change the encoded amino acid sequence of the TMEM67 protein.